The following is an entry in ClinVar:

NM_018699.4(PRDM5):c.1631C>G (p.Pro544Arg)

Gene: PRDM5 (PR/SET domain 5; minus strand). Cytogenetic location: 4q27.
Variant type: single nucleotide variant.
Coding change: c.1631C>G on transcript NM_018699.4 (MANE Select); coding-DNA position 1631, C replaced by G.
Protein change: p.Pro544Arg; replaces proline 544 with arginine.
Molecular consequence: missense variant. On other transcripts: synonymous variant (1), intron variant (1).
Genome position (GRCh38, 1-based): chr4:120,710,406, G>C on the plus strand (C>G on the coding strand, the complement: PRDM5 is on the minus strand). VCF-style: chr4-120710406-G-C. GRCh37 (hg19) VCF-style: chr4-121631561-G-C.
Other names: c.1538C>G, p.Pro513Arg (NM_001300823.2); c.1452C>G, p.Ala484= (NM_001300824.2); c.1664C>G, p.Pro555Arg (NM_001379104.1); c.1531-15131C>G (NM_001379106.1); short protein forms P513R, P544R, P555R.
Identifiers: ClinVar variation 1776835 (VCV001776835.3), dbSNP rs779905301, ClinGen allele CA3060984.

ClinVar aggregate classification (germline): Uncertain significance. Review status: criteria provided, multiple submitters, no conflicts (2 of 4 stars). 2 submissions from 2 submitters: Uncertain significance (2). Last evaluated 2024-12-03.

Conditions:
Cardiovascular phenotype. Identifiers: MedGen CN230736.

Allele frequency attached by ClinVar (database versions not stated): ExAC 0.00001.

Submissions (2):

Women's Health and Genetics/Laboratory Corporation of America, LabCorp
Classification: Uncertain significance. Last evaluated: 2024-12-03. Review status: criteria provided, single submitter. Criteria: LabCorp Variant Classification Summary - May 2015. Collection method: clinical testing. Allele origin: germline.
Comment: Variant summary: PRDM5 c.1631C>G (p.Pro544Arg) results in a non-conservative amino acid change located in the Zinc finger C2H2-type domain (IPR013087) of the encoded protein sequence. Four of five in-silico tools predict a damaging effect of the variant on protein function. The variant allele was found at a frequency of 4e-06 in 250474 control chromosomes. The available data on variant occurrences in the general population are insufficient to allow any conclusion about variant significance. To our knowledge, no occurrence of c.1631C>G in individuals affected with Brittle cornea syndrome 2 and no experimental evidence demonstrating its impact on protein function have been reported. ClinVar contains an entry for this variant (Variation ID: 1776835). Based on the evidence outlined above, the variant was classified as uncertain significance.

Ambry Genetics
Classification: Uncertain significance for Cardiovascular phenotype. Last evaluated: 2022-02-02. Review status: criteria provided, single submitter. Criteria: Ambry Variant Classification Scheme 2023. Collection method: clinical testing. Allele origin: germline.
Comment: The p.P544R variant (also known as c.1631C>G), located in coding exon 15 of the PRDM5 gene, results from a C to G substitution at nucleotide position 1631. The proline at codon 544 is replaced by arginine, an amino acid with dissimilar properties. This amino acid position is conserved. In addition, the in silico prediction for this alteration is inconclusive. Since supporting evidence is limited at this time, the clinical significance of this alteration remains unclear.